The following is an entry in ClinVar:

ClinVar aggregate classification (germline): Conflicting classifications of pathogenicity. Review status: criteria provided, conflicting classifications (1 of 4 stars). 3 submissions from 3 submitters: Uncertain significance (2); Likely benign (1). Last evaluated 2025-06-24.

Conditions:
Hereditary cancer-predisposing syndrome. Also called: Neoplastic Syndromes, Hereditary; Hereditary Cancer Syndrome; Tumor predisposition; Hereditary neoplastic syndrome. Identifiers: Orphanet 140162, MedGen C0027672, MeSH D009386, MONDO:0015356.
Ataxia-telangiectasia syndrome (AT). Also called: LOUIS-BAR SYNDROME; Cerebello-oculocutaneous telangiectasia; Immunodeficiency with ataxia telangiectasia; Ataxia-telangiectasia, complementation group D; AT, COMPLEMENTATION GROUP C; Ataxia-telangiectasia, complementation group E. Identifiers: Orphanet 100, MedGen C0004135, MONDO:0008840, OMIM 208900.

Allele frequency attached by ClinVar (database versions not stated): TOPMed 0.00001; gnomAD 0.00001.
gnomAD v4.1: 1 of 1,614,028 alleles (0.000062%); highest among the groups gnomAD compares: Non-Finnish European, 0.000085%; no homozygotes.

Submissions (3):

Labcorp Genetics (formerly Invitae), Labcorp
Classification: Uncertain significance for Ataxia-telangiectasia syndrome. Last evaluated: 2025-06-24. Review status: criteria provided, single submitter. Criteria: Invitae Variant Classification Sherloc (09022015). Collection method: clinical testing. Allele origin: germline.
Comment: This sequence change replaces serine, which is neutral and polar, with alanine, which is neutral and non-polar, at codon 2498 of the ATM protein (p.Ser2498Ala). This variant is not present in population databases (gnomAD no frequency). This missense change has been observed in individual(s) with ATM-related conditions (PMID: 27978560). ClinVar contains an entry for this variant (Variation ID: 407695). Invitae Evidence Modeling of protein sequence and biophysical properties (such as structural, functional, and spatial information, amino acid conservation, physicochemical variation, residue mobility, and thermodynamic stability) indicates that this missense variant is not expected to disrupt ATM protein function with a negative predictive value of 95%. In summary, the available evidence is currently insufficient to determine the role of this variant in disease. Therefore, it has been classified as a Variant of Uncertain Significance.

Ambry Genetics
Classification: Likely benign for Hereditary cancer-predisposing syndrome. Last evaluated: 2024-07-19. Review status: criteria provided, single submitter. Criteria: Ambry Variant Classification Scheme 2023. Collection method: clinical testing. Allele origin: germline.

Color Diagnostics, LLC DBA Color Health
Classification: Uncertain significance for Hereditary cancer-predisposing syndrome. Last evaluated: 2019-02-02. Review status: criteria provided, single submitter. Criteria: ACMG Guidelines, 2015. Collection method: clinical testing. Allele origin: germline.

Literature cited by the submitters: PubMed 27978560 (cited by Labcorp Genetics (formerly Invitae), Labcorp and Ambry Genetics).

NM_000051.4(ATM):c.7492T>G (p.Ser2498Ala)

Genes: ATM (ATM serine/threonine kinase; plus strand), C11orf65 (chromosome 11 open reading frame 65; minus strand). Cytogenetic location: 11q22.3.
Variant type: single nucleotide variant.
Coding change: c.7492T>G on transcript NM_000051.4 (MANE Select); coding-DNA position 7492, T replaced by G.
Protein change: p.Ser2498Ala; replaces serine 2498 with alanine.
Molecular consequence: missense variant. On other transcripts: intron variant (2).
Genome position (GRCh38, 1-based): chr11:108,330,398, T>G. VCF-style: chr11-108330398-T-G. GRCh37 (hg19) VCF-style: chr11-108201125-T-G.
Other names: c.7492T>G, p.Ser2498Ala (NM_001351834.2); c.641-21327A>C (NM_001330368.2); c.*38+4822A>C (NM_001351110.2); short protein forms S2498A.
Identifiers: ClinVar variation 407695 (VCV000407695.17), dbSNP rs754245181, ClinGen allele CA16613206.
Genomic context (GRCh38, chr11:108,330,398, plus strand): 5'-GAAGAACATGATATGTGGGTATTCCGACTTTGTTCCCTCTGGCTTGAAAATTCTGGAGTT[T>G]CTGAAGTCAATGGCATGATGAAGGCAAGTGTTACTCAGCCCAATATTCTACCCTGTGCTT-3'
Protein context (NP_000042.3, residues 2488-2508): CSLWLENSGV[Ser2498Ala]EVNGMMKRDG